The following is an entry in ClinVar:

NM_000548.5(TSC2):c.976-63G>A

Gene: TSC2 (TSC complex subunit 2; plus strand). Cytogenetic location: 16p13.3.
Variant type: single nucleotide variant.
Coding change: c.976-63G>A on transcript NM_000548.5 (MANE Select); 63 bases into the intron before coding-DNA position 976, G replaced by A.
Molecular consequence: intron variant.
Genome position (GRCh38, 1-based): chr16:2,060,607, G>A. VCF-style: chr16-2060607-G-A. GRCh37 (hg19) VCF-style: chr16-2110608-G-A.
Other names: c.976-63G>A (NM_001114382.3, NM_021055.3, NM_001370405.1 and 3 more transcripts); c.865-63G>A (NM_001318827.2); c.376-63G>A (NM_001318831.2); c.829-63G>A (NM_001318829.2); c.1009-63G>A (NM_001318832.2).
Identifiers: ClinVar variation 49906 (VCV000049906.3), dbSNP rs12927333, ClinGen allele CA023234.

ClinVar aggregate classification (germline): Benign. Review status: criteria provided, multiple submitters, no conflicts (2 of 4 stars). 3 submissions from 3 submitters: Benign (2). 1 of the submissions does not count toward it. Last evaluated 2018-06-14.

Conditions:
Tuberous sclerosis syndrome (TSC). Also called: Tuberous Sclerosis Complex; Tuberous sclerosis. Identifiers: Orphanet 805, MedGen C0041341, MONDO:0001734.

Allele frequency attached by ClinVar (database versions not stated): 1000 Genomes Project 30x 0.03264; 1000 Genomes Project 0.03454; TOPMed 0.04340; gnomAD 0.04770 and 0.04851; gnomAD exomes 0.06345.
gnomAD v4.1: 99,737 of 1,612,110 alleles (6.2%); highest among the groups gnomAD compares: Middle Eastern, 10%; 3,481 homozygotes.

Submissions (3):

GeneDx
Classification: Benign. Last evaluated: 2018-06-14. Review status: criteria provided, single submitter. Criteria: GeneDx Variant Classification (06012015). Collection method: clinical testing. Allele origin: germline. Affected: yes.
Comment: This variant is considered likely benign or benign based on one or more of the following criteria: it is a conservative change, it occurs at a poorly conserved position in the protein, it is predicted to be benign by multiple in silico algorithms, and/or has population frequency not consistent with disease.

Breakthrough Genomics
Classification: Benign. Review status: criteria provided, single submitter. Criteria: ACMG Guidelines, 2015. Collection method: not provided. Allele origin: germline. Inheritance: Autosomal dominant inheritance. Affected: yes.

Tuberous sclerosis database (TSC2)
No classification provided. Condition: TSC. Review status: no classification provided. Criteria: Tuberous Sclerosis Database Assertion Criteria 2015. Collection method: curation. Allele origin: germline. Affected: yes. Not counted in ClinVar's aggregate classification.